The following is an entry in ClinVar:

ClinVar aggregate classification (germline): Pathogenic/Likely pathogenic. Review status: criteria provided, multiple submitters, no conflicts (2 of 4 stars). 4 submissions from 4 submitters: Pathogenic (3); Likely pathogenic (1). Last evaluated 2024-03-29.

Conditions:
Microcephalic osteodysplastic primordial dwarfism type II (MOPD2). Also called: MOPD II; OSTEODYSPLASTIC PRIMORDIAL DWARFISM, TYPE II; Microcephalic osteodysplastic primordial dwarfism with tooth abnormalities. Identifiers: Orphanet 2637, MedGen C0432246, MONDO:0008872, OMIM 210720.

Submissions (4):

Genomic Medicine Center of Excellence, King Faisal Specialist Hospital and Research Centre
Classification: Pathogenic for Microcephalic osteodysplastic primordial dwarfism type II. Last evaluated: 2024-03-29. Review status: criteria provided, single submitter. Criteria: ACMG Guidelines, 2015. Collection method: clinical testing. Allele origin: germline.

GeneDx
Classification: Pathogenic. Last evaluated: 2020-08-31. Review status: criteria provided, single submitter. Criteria: GeneDx Variant Classification Process June 2021. Collection method: clinical testing. Allele origin: germline. Affected: yes.
Comment: Frameshift variant predicted to result in protein truncation or nonsense mediated decay in a gene for which loss-of-function is a known mechanism of disease; Not observed in large population cohorts (Lek et al., 2016); Has not been previously published as pathogenic or benign to our knowledge

Molecular Diagnostics Lab, Nemours Children's Health, Delaware
Classification: Likely pathogenic for Microcephalic osteodysplastic primordial dwarfism type II. Last evaluated: 2020-04-30. Review status: criteria provided, single submitter. Criteria: ACMG Guidelines, 2015. Collection method: clinical testing. Allele origin: unknown. Inheritance: Autosomal recessive inheritance. Affected: yes. Observed: 2 homozygotes.

Pathology and Clinical Laboratory Medicine, King Fahad Medical City
Classification: Pathogenic for Microcephalic osteodysplastic primordial dwarfism type II. Review status: criteria provided, single submitter. Criteria: ACMG Guidelines, 2015. Collection method: clinical testing. Allele origin: germline. Affected: yes. Observed: 1 variant allele.

NM_006031.6(PCNT):c.398del (p.Phe133fs)

Gene: PCNT (pericentrin; plus strand). Cytogenetic location: 21q22.3.
Variant type: Deletion.
Coding change: c.398del on transcript NM_006031.6 (MANE Select); coding-DNA position 398, one base deleted (T; older notation c.398delT).
Protein change: p.Phe133fs; shifts the reading frame from phenylalanine 133.
Molecular consequence: frameshift variant.
Genome position (GRCh38, 1-based): chr21:46,334,527, T deleted; the last of 2 consecutive T bases (chr21:46,334,526-46,334,527); deleting either gives the same sequence. VCF-style (leftmost placement, unchanged base first): chr21-46334525-GT-G. GRCh37 (hg19) VCF-style: chr21-47754439-GT-G.
Other names: c.44del, p.Phe15fs (NM_001315529.2); c.398del (NM_006031.5); short protein forms F15fs, F133fs.
Identifiers: ClinVar variation 429602 (VCV000429602.7), dbSNP rs1131691484, ClinGen allele CA645369797.